The following is an entry in ClinVar:

ClinVar aggregate classification (germline): Likely benign (1 of 4 stars; one submission).

gnomAD v4.1: 1 of 1,613,974 alleles (0.000062%); highest among the groups gnomAD compares: Non-Finnish European, 0.000085%; no homozygotes.

Submission:

CeGaT Center for Human Genetics Tuebingen
Classification: Likely benign. Last evaluated: 2026-08-01. Review status: criteria provided, single submitter. Criteria: CeGaT Center For Human Genetics Tuebingen Variant Classification Criteria Version 2. Collection method: clinical testing. Allele origin: germline. Affected: yes. Observed: 1 variant allele.
Comment: FAT4: BP4, BP7

NM_001291303.3(FAT4):c.312C>T (p.Asp104=)

Gene: FAT4 (FAT atypical cadherin 4; plus strand). Cytogenetic location: 4q28.1.
Variant type: single nucleotide variant.
Coding change: c.312C>T on transcript NM_001291303.3 (MANE Select); coding-DNA position 312, C replaced by T.
Protein change: p.Asp104=; no amino-acid change (aspartic acid 104 retained).
Molecular consequence: synonymous variant. On other transcripts: intron variant (1).
Genome position (GRCh38, 1-based): chr4:125,316,723, C>T. VCF-style: chr4-125316723-C-T. GRCh37 (hg19) VCF-style: chr4-126237878-C-T.
Other names: c.312C>T, p.Asp104= (NM_001291285.3, NM_001438396.1, NM_001438397.1 and 1 more transcripts); c.-55+746C>T (NM_001437895.1).
Identifiers: ClinVar variation 5038709 (VCV005038709.1).